The following is an entry in ClinVar:

ClinVar aggregate classification (germline): Uncertain significance. Review status: criteria provided, multiple submitters, no conflicts (2 of 4 stars). 5 submissions from 5 submitters: Uncertain significance (5). Last evaluated 2023-04-11.

Conditions:
Hereditary cancer-predisposing syndrome. Also called: Hereditary Cancer Syndrome; Neoplastic Syndromes, Hereditary; Hereditary neoplastic syndrome; Tumor predisposition. Identifiers: Orphanet 140162, MedGen C0027672, MeSH D009386, MONDO:0015356.
Ataxia-telangiectasia syndrome (AT). Also called: Ataxia-telangiectasia, complementation group E; LOUIS-BAR SYNDROME; ATAXIA-TELANGIECTASIA, COMPLEMENTATION GROUP A; Ataxia-telangiectasia, complementation group D; AT, COMPLEMENTATION GROUP C; Ataxia telangiectasia (A-T). Identifiers: Orphanet 100, MedGen C0004135, MONDO:0008840, OMIM 208900.

Allele frequency attached by ClinVar (database versions not stated): gnomAD exomes below 0.00001 and 0.00001.
gnomAD v4.1: 2 of 1,612,006 alleles (0.00012%); highest among the groups gnomAD compares: South Asian, 0.0022%; no homozygotes.

Submissions (5):

Color Diagnostics, LLC DBA Color Health
Classification: Uncertain significance for Hereditary cancer-predisposing syndrome. Last evaluated: 2023-04-11. Review status: criteria provided, single submitter. Criteria: ACMG Guidelines, 2015. Collection method: clinical testing. Allele origin: germline.
Comment: This missense variant replaces serine with glycine at codon 1338 of the ATM protein. Computational prediction suggests that this variant may not impact protein structure and function (internally defined REVEL score threshold <= 0.5, PMID: 27666373). To our knowledge, functional studies have not been reported for this variant. This variant has not been reported in individuals affected with ATM-related disorders in the literature. This variant has been identified in 2/248506 chromosomes in the general population by the Genome Aggregation Database (gnomAD). The available evidence is insufficient to determine the role of this variant in disease conclusively. Therefore, this variant is classified as a Variant of Uncertain Significance.

Ambry Genetics
Classification: Uncertain significance for Hereditary cancer-predisposing syndrome. Last evaluated: 2022-09-25. Review status: criteria provided, single submitter. Criteria: Ambry Variant Classification Scheme 2023. Collection method: clinical testing. Allele origin: germline.
Comment: The p.S1338G variant (also known as c.4012A>G), located in coding exon 26 of the ATM gene, results from an A to G substitution at nucleotide position 4012. The serine at codon 1338 is replaced by glycine, an amino acid with similar properties. This amino acid position is conserved. In addition, this alteration is predicted to be tolerated by in silico analysis. Since supporting evidence is limited at this time, the clinical significance of this alteration remains unclear.

Labcorp Genetics (formerly Invitae), Labcorp
Classification: Uncertain significance for Ataxia-telangiectasia syndrome. Last evaluated: 2021-08-28. Review status: criteria provided, single submitter. Criteria: Invitae Variant Classification Sherloc (09022015). Collection method: clinical testing. Allele origin: germline.
Comment: This sequence change replaces serine with glycine at codon 1338 of the ATM protein (p.Ser1338Gly). The serine residue is weakly conserved and there is a small physicochemical difference between serine and glycine. This variant is not present in population databases (ExAC no frequency). This variant has not been reported in the literature in individuals affected with ATM-related conditions. ClinVar contains an entry for this variant (Variation ID: 802753). Advanced modeling of protein sequence and biophysical properties (such as structural, functional, and spatial information, amino acid conservation, physicochemical variation, residue mobility, and thermodynamic stability) performed at Invitae indicates that this missense variant is not expected to disrupt ATM protein function. In summary, the available evidence is currently insufficient to determine the role of this variant in disease. Therefore, it has been classified as a Variant of Uncertain Significance.

GeneDx
Classification: Uncertain significance. Last evaluated: 2019-11-29. Review status: criteria provided, single submitter. Criteria: GeneDx Variant Classification Process June 2021. Collection method: clinical testing. Allele origin: germline. Affected: yes.
Comment: In silico analysis, which includes protein predictors and evolutionary conservation, supports that this variant does not alter protein structure/function; Has not been previously published as pathogenic or benign to our knowledge

Mendelics
Classification: Uncertain significance for Ataxia-telangiectasia syndrome. Last evaluated: 2019-05-28. Review status: criteria provided, single submitter. Criteria: Mendelics Assertion Criteria 2017. Collection method: clinical testing. Allele origin: unknown.

NM_000051.4(ATM):c.4012A>G (p.Ser1338Gly)

Gene: ATM (ATM serine/threonine kinase; plus strand). Cytogenetic location: 11q22.3.
Variant type: single nucleotide variant.
Coding change: c.4012A>G on transcript NM_000051.4 (MANE Select); coding-DNA position 4012, A replaced by G.
Protein change: p.Ser1338Gly; replaces serine 1338 with glycine.
Molecular consequence: missense variant.
Genome position (GRCh38, 1-based): chr11:108,287,618, A>G. VCF-style: chr11-108287618-A-G. GRCh37 (hg19) VCF-style: chr11-108158345-A-G.
Other names: c.4012A>G, p.Ser1338Gly (NM_001351834.2); short protein forms S1338G.
Identifiers: ClinVar variation 802753 (VCV000802753.12), dbSNP rs958750512, ClinGen allele CA228371374.